The following is an entry in ClinVar:

NM_032237.5(POMK):c.645T>G (p.Tyr215Ter)

Gene: POMK (protein O-mannose kinase; plus strand). Cytogenetic location: 8p11.21.
Variant type: single nucleotide variant.
Coding change: c.645T>G on transcript NM_032237.5 (MANE Select); coding-DNA position 645, T replaced by G.
Protein change: p.Tyr215Ter; replaces tyrosine 215 with a stop codon.
Molecular consequence: nonsense.
Genome position (GRCh38, 1-based): chr8:43,122,469, T>G. VCF-style: chr8-43122469-T-G. GRCh37 (hg19) VCF-style: chr8-42977612-T-G.
Other names: c.645T>G, p.Tyr215Ter (NM_001277971.2); short protein forms Y215*.
Identifiers: ClinVar variation 2951325 (VCV002951325.3), dbSNP rs1586681137, ClinGen allele CA371122354.

ClinVar aggregate classification (germline): Pathogenic (1 of 4 stars; one submission).

Conditions:
Limb-girdle muscular dystrophy due to POMK deficiency. Also called: MUSCULAR DYSTROPHY-DYSTROGLYCANOPATHY, LIMB-GIRDLE, POMK-RELATED; Muscular dystrophy-dystroglycanopathy (limb-girdle), type c, 12. Identifiers: Orphanet 445110, MedGen C4015184, MONDO:0014489, OMIM 616094.
Muscular dystrophy-dystroglycanopathy (congenital with brain and eye anomalies), type a, 12 (MDDGA12). Also called: WALKER-WARBURG SYNDROME OR MUSCLE-EYE-BRAIN DISEASE, POMK-RELATED. Identifiers: Orphanet 899, MedGen C3808964, MONDO:0014101, OMIM 615249.

Submission:

Labcorp Genetics (formerly Invitae), Labcorp
Classification: Pathogenic for Muscular dystrophy-dystroglycanopathy (congenital with brain and eye anomalies), type a, 12; Limb-girdle muscular dystrophy due to POMK deficiency. Last evaluated: 2023-08-27. Review status: criteria provided, single submitter. Criteria: Invitae Variant Classification Sherloc (09022015). Collection method: clinical testing. Allele origin: germline.
Comment: This variant has not been reported in the literature in individuals affected with POMK-related conditions. For these reasons, this variant has been classified as Pathogenic. This variant disrupts a region of the POMK protein in which other variant(s) (p.P322L) have been determined to be pathogenic (PMID: 29910097, 30060766). This suggests that this is a clinically significant region of the protein, and that variants that disrupt it are likely to be disease-causing. This variant is not present in population databases (gnomAD no frequency). This sequence change creates a premature translational stop signal (p.Tyr215*) in the POMK gene. While this is not anticipated to result in nonsense mediated decay, it is expected to disrupt the last 136 amino acid(s) of the POMK protein.

Literature cited by the submitters: PubMed 29910097; PubMed 30060766.